The following is an entry in ClinVar:

ClinVar aggregate classification (germline): Uncertain significance (1 of 4 stars; one submission).

gnomAD v4.1: 45 of 1,613,566 alleles (0.0028%); highest among the groups gnomAD compares: South Asian, 0.048%; no homozygotes.

Submission:

Labcorp Genetics (formerly Invitae), Labcorp
Classification: Uncertain significance. Last evaluated: 2020-10-26. Review status: criteria provided, single submitter. Criteria: Invitae Variant Classification Sherloc (09022015). Collection method: clinical testing. Allele origin: germline.
Comment: This sequence change replaces isoleucine with valine at codon 242 of the CFB protein (p.Ile242Val). The isoleucine residue is moderately conserved and there is a small physicochemical difference between isoleucine and valine. This variant is present in population databases (rs144812066, ExAC 0.03%). This variant has not been reported in the literature in individuals with CFB-related conditions. Algorithms developed to predict the effect of missense changes on protein structure and function (SIFT, PolyPhen-2, Align-GVGD) all suggest that this variant is likely to be tolerated, but these predictions have not been confirmed by published functional studies and their clinical significance is uncertain. In summary, the available evidence is currently insufficient to determine the role of this variant in disease. Therefore, it has been classified as a Variant of Uncertain Significance.

NM_001710.6(CFB):c.724A>G (p.Ile242Val)

Gene: CFB (complement factor B; plus strand). Cytogenetic location: 6p21.33.
Variant type: single nucleotide variant.
Coding change: c.724A>G on transcript NM_001710.6 (MANE Select); coding-DNA position 724, A replaced by G.
Protein change: p.Ile242Val; replaces isoleucine 242 with valine.
Molecular consequence: missense variant.
Genome position (GRCh38, 1-based): chr6:31,947,807, A>G. VCF-style: chr6-31947807-A-G. GRCh37 (hg19) VCF-style: chr6-31915584-A-G.
Other names: short protein forms I242V.
Identifiers: ClinVar variation 1063875 (VCV001063875.9), dbSNP rs144812066, ClinGen allele CA3728126.